The following is an entry in ClinVar:

NM_006059.4(LAMC3):c.4378-1G>T

Gene: LAMC3 (laminin subunit gamma 3; plus strand). Cytogenetic location: 9q34.12.
Variant type: single nucleotide variant.
Coding change: c.4378-1G>T on transcript NM_006059.4 (MANE Select); the canonical splice acceptor site of the intron before coding-DNA position 4378, G replaced by T.
Molecular consequence: splice acceptor variant.
Genome position (GRCh38, 1-based): chr9:131,087,717, G>T. VCF-style: chr9-131087717-G-T. GRCh37 (hg19) VCF-style: chr9-133963104-G-T.
Identifiers: ClinVar variation 4736371 (VCV004736371.1).

ClinVar aggregate classification (germline): Likely pathogenic (1 of 4 stars; one submission).

Submission:

Labcorp Genetics (formerly Invitae), Labcorp
Classification: Likely pathogenic. Last evaluated: 2026-01-28. Review status: criteria provided, single submitter. Criteria: Invitae Variant Classification Sherloc (09022015). Collection method: clinical testing. Allele origin: germline.
Comment: This sequence change affects an acceptor splice site in intron 26 of the LAMC3 gene. It is expected to disrupt RNA splicing. Variants that disrupt the donor or acceptor splice site typically lead to a loss of protein function (PMID: 16199547), and loss-of-function variants in LAMC3 are known to be pathogenic (PMID: 21572413, 26802095). This variant is not present in population databases (gnomAD no frequency). This variant has not been reported in the literature in individuals affected with LAMC3-related conditions. Algorithms developed to predict the effect of sequence changes on RNA splicing suggest that this variant may disrupt the consensus splice site. In summary, the currently available evidence indicates that the variant is pathogenic, but additional data are needed to prove that conclusively. Therefore, this variant has been classified as Likely Pathogenic.

Literature cited by the submitters: PubMed 16199547; PubMed 21572413; PubMed 26802095.